The following is an entry in ClinVar:

NM_001089.3(ABCA3):c.795GCT[5] (p.Leu269_Ser270insLeu)

Gene: ABCA3 (ATP binding cassette subfamily A member 3; minus strand). Cytogenetic location: 16p13.3.
Variant type: Microsatellite.
Coding change: c.795GCT[5] on transcript NM_001089.3 (MANE Select); five copies in a row of the 3-base unit GCT starting at c.795; the reference has four copies in a row; one copy, 3 bases duplicated.
Protein change: p.Leu269_Ser270insLeu.
Genome position (GRCh38, 1-based): chr16:2,319,648-2,319,650, AGC duplicated on the plus strand (GCT on the coding strand, the reverse complement: ABCA3 is on the minus strand); duplicating any 3 consecutive bases within chr16:2,319,648-2,319,661 gives the same sequence; the position shown is the placement nearest the transcript's 3' end. VCF-style (leftmost placement, unchanged base first): chr16-2319647-G-GAGC. GRCh37 (hg19) VCF-style: chr16-2369648-G-GAGC.
Identifiers: ClinVar variation 5004028 (VCV005004028.1).

ClinVar aggregate classification (germline): Uncertain significance (1 of 4 stars; one submission).

Conditions:
Interstitial lung disease due to ABCA3 deficiency. Also called: PULMONARY ALVEOLAR PROTEINOSIS, CONGENITAL, 3. Identifiers: Orphanet 440402, MedGen C1970456, MONDO:0012582, OMIM 610921.

Submission:

Myriad Genetics, Inc.
Classification: Uncertain significance for Interstitial lung disease due to ABCA3 deficiency. Last evaluated: 2025-09-08. Review status: criteria provided, single submitter. Criteria: Myriad Autosomal Dominant, Autosomal Recessive and X-Linked Classification Criteria (2023). Collection method: clinical testing. Allele origin: unknown.
Comment: NM_001089.2(ABCA3):c.804_806dupGCT(L269dup) is an in-frame insertion classified as a variant of uncertain significance in the context of surfactant deficiency, ABCA3-related. L269dup has been observed in cases with relevant disease (PMID: 19647838, 24871971). Relevant functional assessments of this variant are not available in the literature. L269dup has been observed in referenced population frequency databases. In summary, there is insufficient evidence to classify NM_001089.2(ABCA3):c.804_806dupGCT(L269dup) as pathogenic or benign. Please note: this variant was assessed in the context of healthy population screening.

Literature cited by the submitters: PubMed 19647838; PubMed 24871971.